The following is an entry in ClinVar:

NM_000038.6(APC):c.8046G>A (p.Val2682=)

Gene: APC (APC regulator of Wnt signaling pathway; plus strand). Cytogenetic location: 5q22.2.
Variant type: single nucleotide variant.
Coding change: c.8046G>A on transcript NM_000038.6 (MANE Select); coding-DNA position 8046, G replaced by A.
Protein change: p.Val2682=; no amino-acid change (valine 2682 retained).
Molecular consequence: synonymous variant. On other transcripts: non-coding transcript variant (2).
Genome position (GRCh38, 1-based): chr5:112,843,640, G>A. VCF-style: chr5-112843640-G-A. GRCh37 (hg19) VCF-style: chr5-112179337-G-A.
Other names: c.8046G>A, p.Val2682= (NM_001127510.3, NM_001354895.2, NM_001407450.1); c.7992G>A, p.Val2664= (NM_001127511.3); c.8100G>A, p.Val2700= (NM_001354896.2, NM_001407447.1, NM_001407448.1 and 1 more transcripts); c.8076G>A, p.Val2692= (NM_001354897.2); c.7971G>A, p.Val2657= (NM_001354898.2); c.7962G>A, p.Val2654= (NM_001354899.2); c.7923G>A, p.Val2641= (NM_001354900.2); c.7869G>A, p.Val2623= (NM_001354901.2, NM_001407453.1); and 12 more.
Identifiers: ClinVar variation 3253942 (VCV003253942.2), dbSNP rs1186346278.

ClinVar aggregate classification (germline): Benign/Likely benign. Review status: criteria provided, multiple submitters, no conflicts (2 of 4 stars). 2 submissions from 2 submitters: Benign (1); Likely benign (1). Last evaluated 2024-08-21.

Conditions:
Hereditary cancer-predisposing syndrome. Also called: Hereditary neoplastic syndrome; Neoplastic Syndromes, Hereditary; Tumor predisposition; Hereditary Cancer Syndrome. Identifiers: Orphanet 140162, MedGen C0027672, MeSH D009386, MONDO:0015356.
Familial adenomatous polyposis 1 (FAP1). Also called: POLYPOSIS, ADENOMATOUS INTESTINAL; FAMILIAL ADENOMATOUS POLYPOSIS 1, ATTENUATED. Identifiers: MedGen C2713442, MONDO:0021056, OMIM 175100. Disease mechanism: loss of function.

Submissions (2):

Ambry Genetics
Classification: Likely benign for Hereditary cancer-predisposing syndrome. Last evaluated: 2024-08-21. Review status: criteria provided, single submitter. Criteria: Ambry Variant Classification Scheme 2023. Collection method: clinical testing. Allele origin: germline.

Myriad Genetics, Inc.
Classification: Benign for Familial adenomatous polyposis 1. Last evaluated: 2024-04-12. Review status: criteria provided, single submitter. Criteria: Myriad Autosomal Dominant, Autosomal Recessive and X-Linked Classification Criteria (2023). Collection method: clinical testing. Allele origin: unknown.
Comment: This variant is considered benign. This variant is a silent/synonymous amino acid change and it is not expected to impact splicing.